The following is an entry in ClinVar:

NM_000179.3(MSH6):c.2752C>A (p.His918Asn)

Gene: MSH6 (mutS homolog 6; plus strand). Cytogenetic location: 2p16.3.
Variant type: single nucleotide variant.
Coding change: c.2752C>A on transcript NM_000179.3 (MANE Select); coding-DNA position 2752, C replaced by A.
Protein change: p.His918Asn; replaces histidine 918 with asparagine.
Molecular consequence: missense variant.
Genome position (GRCh38, 1-based): chr2:47,800,735, C>A. VCF-style: chr2-47800735-C-A. GRCh37 (hg19) VCF-style: chr2-48027874-C-A.
Other names: c.2362C>A, p.His788Asn (NM_001281492.2); c.1846C>A, p.His616Asn (NM_001281493.2, NM_001281494.2); short protein forms H788N, H616N, H918N.
Identifiers: ClinVar variation 926767 (VCV000926767.4), dbSNP rs1558666591, ClinGen allele CA346755420.
Genomic context (GRCh38, chr2:47,800,735, plus strand): 5'-CCTGAAGGTCGTTTTCCTGATTTGACTGTAGAATTGAACCGATGGGATACAGCCTTTGAC[C>A]ATGAAAAGGCTCGAAAGACTGGACTTATTACTCCCAAAGCAGGCTTTGACTCTGATTATG-3'
Protein context (NP_000170.1, residues 908-928): ELNRWDTAFD[His918Asn]EKARKTGLIT

ClinVar aggregate classification (germline): Uncertain significance (1 of 4 stars; one submission).

Conditions:
Hereditary cancer-predisposing syndrome. Also called: Neoplastic Syndromes, Hereditary; Tumor predisposition; Hereditary Cancer Syndrome; Hereditary neoplastic syndrome. Identifiers: Orphanet 140162, MedGen C0027672, MeSH D009386, MONDO:0015356.

Submission:

Color Diagnostics, LLC DBA Color Health
Classification: Uncertain significance for Hereditary cancer-predisposing syndrome. Last evaluated: 2024-03-06. Review status: criteria provided, single submitter. Criteria: ACMG Guidelines, 2015. Collection method: clinical testing. Allele origin: germline.
Comment: This missense variant replaces histidine with asparagine at codon 918 of the MSH6 protein. Computational prediction tool is inconclusive regarding the impact of this variant on protein structure and function (internally defined REVEL score threshold 0.5 < inconclusive < 0.7, PMID: 27666373). Splice site prediction tools suggest that this variant may not impact RNA splicing. To our knowledge, functional studies have not been performed for this variant. This variant has not been reported in individuals affected with hereditary cancer in the literature. This variant has not been identified in the general population by the Genome Aggregation Database (gnomAD). The available evidence is insufficient to determine the role of this variant in disease conclusively. Therefore, this variant is classified as a Variant of Uncertain Significance.